The following is an entry in ClinVar:

ClinVar aggregate classification (germline): Uncertain significance. Review status: criteria provided, multiple submitters, no conflicts (2 of 4 stars). 3 submissions from 3 submitters: Uncertain significance (3). Last evaluated 2018-03-15.

Conditions:
Inborn genetic diseases. Identifiers: MedGen C0950123, MeSH D030342.
Microcephaly 7, primary, autosomal recessive. Identifiers: Orphanet 2512, MedGen C2675187, MONDO:0012989, OMIM 612703.

Allele frequency attached by ClinVar (database versions not stated): ExAC 0.00012; gnomAD exomes 0.00017; ESP Exome Variant Server 0.00023; gnomAD 0.00023; TOPMed 0.00023; 1000 Genomes Project 30x 0.00031.
gnomAD v4.1: 437 of 1,611,186 alleles (0.027%); highest among the groups gnomAD compares: Non-Finnish European, 0.036%; no homozygotes.

Submissions (3):

Ambry Genetics
Classification: Uncertain significance for Inborn genetic diseases. Last evaluated: 2018-03-15. Review status: criteria provided, single submitter. Criteria: Ambry Variant Classification Scheme 2023. Collection method: clinical testing. Allele origin: germline.
Comment: The p.P410R variant (also known as c.1229C>G), located in coding exon 10 of the STIL gene, results from a C to G substitution at nucleotide position 1229. The proline at codon 410 is replaced by arginine, an amino acid with dissimilar properties. This amino acid position is highly conserved in available vertebrate species. In addition, this alteration is predicted to be deleterious by in silico analysis. Since supporting evidence is limited at this time, the clinical significance of this alteration remains unclear.

Illumina Laboratory Services, Illumina
Classification: Uncertain significance for Microcephaly 7, primary, autosomal recessive. Last evaluated: 2018-01-13. Review status: criteria provided, single submitter. Criteria: ICSL Variant Classification Criteria 13 December 2019. Collection method: clinical testing. Allele origin: germline.

Genetic Services Laboratory, University of Chicago
Classification: Uncertain significance. Last evaluated: 2017-05-23. Review status: criteria provided, single submitter. Criteria: ACMG Guidelines, 2015. Collection method: clinical testing. Allele origin: germline. Affected: no.

NM_001048166.1(STIL):c.1229C>G (p.Pro410Arg)

Gene: STIL (STIL centriolar assembly protein; minus strand). Cytogenetic location: 1p33.
Variant type: single nucleotide variant.
Coding change: c.1229C>G on transcript NM_001048166.1 (MANE Select); coding-DNA position 1229, C replaced by G.
Protein change: p.Pro410Arg; replaces proline 410 with arginine.
Molecular consequence: missense variant.
Genome position (GRCh38, 1-based): chr1:47,282,364, G>C on the plus strand (C>G on the coding strand, the complement: STIL is on the minus strand). VCF-style: chr1-47282364-G-C. GRCh37 (hg19) VCF-style: chr1-47748036-G-C.
Other names: c.1229C>G, p.Pro410Arg (NM_001282936.1, NM_001282937.1, NM_003035.2); c.1088C>G, p.Pro363Arg (NM_001282938.1, NM_001282939.1); short protein forms P410R, P363R.
Identifiers: ClinVar variation 225064 (VCV000225064.14), dbSNP rs202194355, ClinGen allele CA358229.
Genomic context (GRCh38, chr1:47,282,364, plus strand): 5'-CTCTAACCACAAAAGTGAATGCATTTTAAAATCAGTGATACCTTCTGACTCACTGGATGA[G>C]GACTAGGAATTGGTCTTGGAGAAAAATCTTCATCTTCAACACCAGAGTCGTGATCATGTA-3'
Protein context (NP_001041631.1, residues 400-420): EDFSPRPIPS[Pro410Arg]HPVSQKISKI